The following is an entry in ClinVar:

ClinVar aggregate classification (germline): Uncertain significance (1 of 4 stars; one submission).

Conditions:
Lennox-Gastaut syndrome. Also called: Epileptic encephalopathy Lennox-Gastaut type. Identifiers: Orphanet 2382, MedGen C0238111, MONDO:0016532.

Submission:

Broad Center for Mendelian Genomics, Broad Institute of MIT and Harvard
Classification: Uncertain significance for Lennox-Gastaut syndrome. Last evaluated: 2025-07-18. Review status: criteria provided, single submitter. Criteria: ACMG Guidelines, 2015. Collection method: curation. Allele origin: germline. Inheritance: Autosomal dominant inheritance. Study: GREGoR Consortium.
Comment: While this gene is still lacking sufficient evidence to establish a gene-disease relationship, we believe this is a possible novel gene candidate for Lennox-Gaustaut syndrome. Given the limited information about this gene-disease relationship, the significance of the p.Asp646dup variant is uncertain. If you have any additional information about functional evidence or other individuals with this phenotype that also have variants in HSPA8 we encourage you to reach out to us.

NM_006597.6(HSPA8):c.1936_1938dup (p.Asp646_Ter647insAsp)

Gene: HSPA8 (heat shock protein family A (Hsp70) member 8; minus strand). Cytogenetic location: 11q24.1.
Variant type: Duplication.
Coding change: c.1936_1938dup on transcript NM_006597.6 (MANE Select); coding-DNA positions 1936 to 1938, 3 bases duplicated (GAT; older notation c.1936_1938dupGAT).
Protein change: p.Asp646_Ter647insAsp.
Genome position (GRCh38, 1-based): chr11:123,057,737-123,057,739, ATC duplicated on the plus strand (GAT on the coding strand, the reverse complement: HSPA8 is on the minus strand); duplicating any 3 consecutive bases within chr11:123,057,737-123,057,740 gives the same sequence; the c. name uses the placement nearest the transcript's 3' end. VCF-style (leftmost placement, unchanged base first): chr11-123057736-A-AATC. GRCh37 (hg19) VCF-style: chr11-122928444-A-AATC.
Other names: NM_153201.4:c.1477_1479dup; c.1477_1479dup, p.Asp493_Ter494insAsp (NM_153201.4).
Identifiers: ClinVar variation 4070925 (VCV004070925.1).
Genomic context (GRCh38, chr11:123,057,736, plus strand): 5'-TTAGGTCCTTCAAATGTTTTAAATGTGTGGAACAATGCTACATCTACACTTGGTTGGCTT[A>AATC]ATCAACCTCTTCAATGGTGGGCCCTGAGGAAGCACCACCAGAGGGAGGAGCTCCACCACC-3'